The following is an entry in ClinVar:

NM_002474.3(MYH11):c.4815G>A (p.Leu1605=)

Genes: NDE1 (nudE neurodevelopment protein 1; plus strand), MYH11 (myosin heavy chain 11; minus strand). Cytogenetic location: 16p13.11.
Variant type: single nucleotide variant.
Coding change: c.4815G>A on transcript NM_002474.3 (MANE Select); coding-DNA position 4815, G replaced by A.
Protein change: p.Leu1605=; no amino-acid change (leucine 1605 retained).
Molecular consequence: synonymous variant. On other transcripts: intron variant (2).
Genome position (GRCh38, 1-based): chr16:15,720,289, C>T on the plus strand (G>A on the coding strand, the complement: MYH11 is on the minus strand). VCF-style: chr16-15720289-C-T. GRCh37 (hg19) VCF-style: chr16-15814146-C-T.
Other names: c.4836G>A, p.Leu1612= (NM_001040113.2, NM_001040114.2); c.4815G>A, p.Leu1605= (NM_022844.3); c.948-3902C>T (NM_001143979.2, NM_017668.3).
Identifiers: ClinVar variation 465742 (VCV000465742.15), dbSNP rs1401043343, ClinGen allele CA493757332.

ClinVar aggregate classification (germline): Likely benign. Review status: criteria provided, multiple submitters, no conflicts (2 of 4 stars). 4 submissions from 4 submitters: Likely benign (4). Last evaluated 2026-01-26.

Conditions:
Familial thoracic aortic aneurysm and aortic dissection (TAAD). Also called: Thoracic aortic aneurysms and dissections. Identifiers: Orphanet 91387, MedGen C4707243, MONDO:0019625.
Aortic aneurysm, familial thoracic 4 (AAT4). Also called: AORTIC ANEURYSM/AORTIC DISSECTION AND PATENT DUCTUS ARTERIOSUS. Identifiers: MedGen C1851504, MONDO:0007568, OMIM 132900.

Allele frequency attached by ClinVar (database versions not stated): gnomAD exomes below 0.00001 and 0.00001; TOPMed 0.00001.
gnomAD v4.1: 7 of 1,614,110 alleles (0.00043%); highest among the groups gnomAD compares: Middle Eastern, 0.082%; no homozygotes.

Submissions (4):

Labcorp Genetics (formerly Invitae), Labcorp
Classification: Likely benign for Aortic aneurysm, familial thoracic 4. Last evaluated: 2026-01-26. Review status: criteria provided, single submitter. Criteria: Invitae Variant Classification Sherloc (09022015). Collection method: clinical testing. Allele origin: germline.

All of Us Research Program, National Institutes of Health
Classification: Likely benign for Familial thoracic aortic aneurysm and aortic dissection. Last evaluated: 2023-12-13. Review status: criteria provided, single submitter. Criteria: ACMG Guidelines, 2015. Collection method: clinical testing. Allele origin: germline. Inheritance: Autosomal dominant inheritance. Observed: 6 variant alleles, 6 heterozygotes.
Comment: This study involves interpretation of variants in research participants for the purpose of population health screening. Participant phenotype was not available at the time of variant classification. Additional details can be found in publication PMID: 35346344, PMCID: PMC8962531

Ambry Genetics
Classification: Likely benign for Familial thoracic aortic aneurysm and aortic dissection. Last evaluated: 2021-08-31. Review status: criteria provided, single submitter. Criteria: Ambry Variant Classification Scheme 2023. Collection method: clinical testing. Allele origin: germline.

Color Diagnostics, LLC DBA Color Health
Classification: Likely benign for Familial thoracic aortic aneurysm and aortic dissection. Last evaluated: 2018-10-21. Review status: criteria provided, single submitter. Criteria: ACMG Guidelines, 2015. Collection method: clinical testing. Allele origin: germline.